The following is an entry in ClinVar:

NM_007294.4(BRCA1):c.53T>C (p.Met18Thr)

Gene: BRCA1 (BRCA1 DNA repair associated; minus strand). Cytogenetic location: 17q21.31.
Variant type: single nucleotide variant.
Coding change: c.53T>C on transcript NM_007294.4 (MANE Select); coding-DNA position 53, T replaced by C.
Protein change: p.Met18Thr; replaces methionine 18 with threonine.
Molecular consequence: missense variant. On other transcripts: non-coding transcript variant (1), 5 prime UTR variant (1).
Genome position (GRCh38, 1-based): chr17:43,124,044, A>G on the plus strand (T>C on the coding strand, the complement: BRCA1 is on the minus strand). VCF-style: chr17-43124044-A-G. GRCh37 (hg19) VCF-style: chr17-41276061-A-G.
Other names: p.M18T:ATG>ACG; 172T>C; c.53T>C, p.Met18Thr (NM_007298.4, NM_007299.4, NM_007300.4 and 193 more transcripts); c.-136T>C (NM_001407571.1, NM_001407853.1, NM_001407879.1 and 46 more transcripts); c.-205T>C (NM_001407694.1, NM_001407724.1, NM_001407727.1 and 11 more transcripts); c.-209T>C (NM_001407695.1, NM_001408465.1); c.-350T>C (NM_001407696.1); c.-234T>C (NM_001407697.1, NM_001407846.1, NM_001407920.1); and 10 more; short protein forms M18T.
Identifiers: ClinVar variation 37664 (VCV000037664.90), dbSNP rs80356929, ClinGen allele CA003550.

ClinVar aggregate classification (germline): Pathogenic. Review status: reviewed by expert panel (3 of 4 stars). 22 submissions from 21 submitters: Pathogenic (1). 21 of the submissions do not count toward it. Last evaluated 2019-06-18.

Conditions:
BRCA1-related disorder. Also called: BRCA1-related condition.
Inherited ovarian cancer (without breast cancer).
Inherited breast cancer and ovarian cancer.
Hereditary cancer-predisposing syndrome. Also called: Neoplastic Syndromes, Hereditary; Tumor predisposition; Hereditary Cancer Syndrome; Hereditary neoplastic syndrome. Identifiers: Orphanet 140162, MedGen C0027672, MeSH D009386, MONDO:0015356.
Hereditary breast ovarian cancer syndrome. Also called: Hereditary breast and ovarian cancer; Breast and ovarian cancer; Hereditary breast and/or ovarian cancer syndrome; Hereditary breast and ovarian cancer syndrome (HBOC); Hereditary breast and ovarian cancer syndrome; BRCA1- and BRCA2-Associated Hereditary Breast and Ovarian Cancer. Identifiers: Orphanet 145, MedGen C0677776, MeSH D061325, MONDO:0003582. Disease mechanism: loss of function.
Breast-ovarian cancer, familial, susceptibility to, 1 (BROVCA1). Also called: OVARIAN CANCER, SUSCEPTIBILITY TO; BRCA1 Hereditary Breast and Ovarian Cancer. Identifiers: Orphanet 145, MedGen C2676676, MONDO:0011450, OMIM 604370. Disease mechanism: loss of function.

Allele frequency attached by ClinVar (database versions not stated): TOPMed below 0.00001; gnomAD exomes 0.00001.

Submissions 1 to 11 of 23:

Evidence-based Network for the Interpretation of Germline Mutant Alleles (ENIGMA)
Classification: Pathogenic for Breast-ovarian cancer, familial, susceptibility to, 1. Last evaluated: 2019-06-18. Review status: reviewed by expert panel. Criteria: ENIGMA BRCA1/2 Classification Criteria (2017-06-29). Collection method: curation. Allele origin: germline.
Comment: IARC class based on posterior probability from multifactorial likelihood analysis, thresholds for class as per Plon et al. 2008 (PMID: 18951446). Class 5 based on posterior probability = 0.99829

Genomics and Molecular Medicine Service, East Genomic Laboratory Hub, NHS Genomic Medicine Service
Classification: Pathogenic for Inherited breast cancer and ovarian cancer. Last evaluated: 2026-07-15. Review status: criteria provided, single submitter. Criteria: ACGS Best Practice Guidelines for Variant Classification in Rare Disease 2020. Collection method: clinical testing. Allele origin: germline. Affected: yes. Not counted in ClinVar's aggregate classification.
Comment: PS3,PS4_Very Strong,PM2_Supporting,PP3,PP4_Strong

Color Diagnostics, LLC DBA Color Health
Classification: Pathogenic for Hereditary cancer-predisposing syndrome. Last evaluated: 2025-11-03. Review status: criteria provided, single submitter. Criteria: ACMG Guidelines, 2015. Collection method: clinical testing. Allele origin: germline. Not counted in ClinVar's aggregate classification.
Comment: This missense variant replaces methionine with threonine at codon 18 of the BRCA1 protein. Computational prediction suggests that this variant may have deleterious impact on protein structure and function. Multiple functional studies have reported that this variant impacted BRCA1 function in homology-directed repair and cell proliferation assays (PMID: 21372787, 23867111, 24489791, 30219179, 30209399). This variant has been detected in at least seven individuals affected with breast and ovarian cancer (PMID: 8531967, 9523200, 10528853, 20103620, 25893891, 30078507BIC accession number 3074), and it has also been reported to segregate with disease in carrier families (PMID: 19563646, 31131967). Multifactorial analysis reached a combined likelihood ratio (LR) of 16176.454 based on segregation, tumor pathology, co-occurrence with a pathogenic variant, case-control LRs and personal and family history LR for 2 carriers (PMID: 31131967, 31853058, 40413188). This variant has not been identified in the general population by the Genome Aggregation Database (gnomAD). Loss of BRCA1 function is a known mechanism of disease. Based on the available evidence, this variant is classified as Pathogenic.

Ambry Genetics
Classification: Likely pathogenic for Hereditary cancer-predisposing syndrome. Last evaluated: 2025-07-24. Review status: criteria provided, single submitter. Criteria: Ambry Variant Classification Scheme 2023. Collection method: clinical testing. Allele origin: germline. Not counted in ClinVar's aggregate classification.
Comment: The p.M18T variant (also known as c.53T>C), located in coding exon 1 of the BRCA1 gene, results from a T to C substitution at nucleotide position 53. The methionine at codon 18 is replaced by threonine, an amino acid with similar properties. This alteration has been detected in multiple individuals diagnosed with breast and/or ovarian cancer and has been associated with a significant reduction in homologous-directed recombination activity compared with wild type BRCA1 (p<0.001) (Langston AA et al. N. Engl. J. Med. 1996; 334:137-42, Greenman J et al. Genes Chromosomes Cancer 1998; 21:244-9, Malone KE et al. JAMA 1998; 279:922-9, Ransburgh DJ et al. Cancer Res., 2010 Feb;70:988-95; Towler WI et al. Hum. Mutat. 2013; 34:439-45; Kechin A et al. Breast Cancer Res Treat, 2023 Jan;197:387-395). This alteration also demonstrated reduced ubiquitin ligase activity and BARD1 binding activity as compared to wild type (Whiley PJ et al. PLoS ONE, 2014 Jan;9:e86836; Starita LM et al. Genetics. 2015 Jun;200(2):413-22). An additional functional study found that this nucleotide substitution is deleterious in a high throughput genome editing haploid cell survival assay (Findlay GM et al. Nature, 2018 10;562:217-222). This amino acid position is highly conserved in available vertebrate species. This variant is considered to be rare based on population cohorts in the Genome Aggregation Database (gnomAD). In addition, this alteration is predicted to be deleterious by in silico analysis. Based on the majority of available evidence to date, this variant is likely to be pathogenic.

Labcorp Genetics (formerly Invitae), Labcorp
Classification: Likely pathogenic for Hereditary breast ovarian cancer syndrome. Last evaluated: 2025-07-10. Review status: criteria provided, single submitter. Criteria: Invitae Variant Classification Sherloc (09022015). Collection method: clinical testing. Allele origin: germline. Not counted in ClinVar's aggregate classification.
Comment: This sequence change replaces methionine, which is neutral and non-polar, with threonine, which is neutral and polar, at codon 18 of the BRCA1 protein (p.Met18Thr). This variant is not present in population databases (gnomAD no frequency). This missense change has been observed in individual(s) with breast and/or ovarian cancer (PMID: 8531967, 9523200, 9544766, 10528853, 16683254, 28888541, 31907386). This variant is also known as c.172T>C. ClinVar contains an entry for this variant (Variation ID: 37664). Invitae Evidence Modeling incorporating data from in vitro experimental studies (PMID: 30209399) indicates that this missense variant is expected to disrupt BRCA1 function with a positive predictive value of 95%. Experimental studies have shown that this missense change affects BRCA1 function (PMID: 20103620, 21725363, 23161852, 23867111, 25823446, 27272900). In summary, the currently available evidence indicates that the variant is pathogenic, but additional data are needed to prove that conclusively. Therefore, this variant has been classified as Likely Pathogenic.

Molecular Pathology, Peter Maccallum Cancer Centre
Classification: Pathogenic for Breast-ovarian cancer, familial, susceptibility to, 1. Last evaluated: 2025-06-11. Review status: criteria provided, single submitter. Criteria: ACMG Guidelines, 2015. Collection method: clinical testing. Allele origin: germline. Inheritance: Autosomal dominant inheritance. Not counted in ClinVar's aggregate classification.

Genomics and Molecular Medicine Service, East Genomic Laboratory Hub, NHS Genomic Medicine Service
Classification: Pathogenic for Inherited ovarian cancer (without breast cancer). Last evaluated: 2025-03-14. Review status: criteria provided, single submitter. Criteria: ACGS Best Practice Guidelines for Variant Classification in Rare Disease 2020. Collection method: clinical testing. Allele origin: germline. Affected: yes. Not counted in ClinVar's aggregate classification.
Comment: PS3,PS4_Very Strong,PM2,PP3,PP4_Strong

Quest Diagnostics Nichols Institute San Juan Capistrano
Classification: Pathogenic. Last evaluated: 2023-03-20. Review status: criteria provided, single submitter. Criteria: Quest Diagnostics criteria. Collection method: clinical testing. Allele origin: unknown. Not counted in ClinVar's aggregate classification.
Comment: It has not been reported in large, multi-ethnic general populations. In the published literature, the variant has been reported in individuals with breast cancer (PMID: 8531967 (1996), 9544766 (1998), 9523200 (1998), 19563646 (2009), 25893891 (2015), 33471991 (2021)) and ovarian cancer (PMID: 10528853 (1999), 30078507 (2018)). Published functional studies have shown that this variant results in a deleterious effect on BRCA1 protein function (PMID: 11320250 (2001), 23161852 (2013), 23867111 (2013), 25823446 (2015), 30209399 (2018)). Based on the available information, this variant is classified as pathogenic.

Baylor Genetics
Classification: Likely pathogenic for Breast-ovarian cancer, familial, susceptibility to, 1. Last evaluated: 2022-08-20. Review status: criteria provided, single submitter. Criteria: ACMG Guidelines, 2015. Collection method: clinical testing. Allele origin: unknown. Not counted in ClinVar's aggregate classification.

Blueprint Genetics
Classification: Pathogenic for BRCA1-related disorders. Last evaluated: 2022-07-06. Review status: criteria provided, single submitter. Criteria: ACMG Guidelines, 2015. Collection method: clinical testing. Allele origin: germline. Affected: yes. Observed: 1 variant allele. Not counted in ClinVar's aggregate classification.

CeGaT Center for Human Genetics Tuebingen
Classification: Pathogenic. Last evaluated: 2021-12-01. Review status: criteria provided, single submitter. Criteria: CeGaT Center For Human Genetics Tuebingen Variant Classification Criteria Version 2. Collection method: clinical testing. Allele origin: germline. Affected: yes. Observed: 2 variant alleles. Not counted in ClinVar's aggregate classification.